The following is an entry in ClinVar:

NM_000113.3(TOR1A):c.172del (p.Arg58fs)

Gene: TOR1A (torsin family 1 member A; minus strand). Cytogenetic location: 9q34.11.
Variant type: Deletion.
Coding change: c.172del on transcript NM_000113.3 (MANE Select); coding-DNA position 172, one base deleted (C; older notation c.172delC).
Protein change: p.Arg58fs; shifts the reading frame from arginine 58.
Molecular consequence: frameshift variant.
Genome position (GRCh38, 1-based): chr9:129,823,914, G deleted on the plus strand (C on the coding strand, the reverse complement: TOR1A is on the minus strand); the first of 2 consecutive G bases (chr9:129,823,914-129,823,915); deleting either gives the same sequence. VCF-style (leftmost placement, unchanged base first): chr9-129823913-CG-C. GRCh37 (hg19) VCF-style: chr9-132586192-CG-C.
Other names: short protein forms R58fs.
Identifiers: ClinVar variation 2032265 (VCV002032265.4), dbSNP rs2490575717, ClinGen allele CA2580079784.
Genomic context (GRCh38, chr9:129,823,913, plus strand): 5'-TGCCATCGCCCAGCCCCAGCCCCAGCCCCAGCCTCCAGCCCCCGCCCCAGCCTACCCTCC[CG>C]GCTAAGGCTCCGCTTCTGCCCGCAGCACTCGGCGAAGAGGCAGTAGAGACGCGGGTAGAT-3'

ClinVar aggregate classification (germline): Uncertain significance (1 of 4 stars; one submission).

Conditions:
Dystonic disorder. Also called: Dystonia. Identifiers: MedGen C0013421, MONDO:0003441, HP:0001332.

Submission:

Labcorp Genetics (formerly Invitae), Labcorp
Classification: Uncertain significance for Dystonic disorder. Last evaluated: 2022-09-26. Review status: criteria provided, single submitter. Criteria: Invitae Variant Classification Sherloc (09022015). Collection method: clinical testing. Allele origin: germline.
Comment: In summary, the available evidence is currently insufficient to determine the role of this variant in disease. Therefore, it has been classified as a Variant of Uncertain Significance. This variant has not been reported in the literature in individuals affected with TOR1A-related conditions. This variant is not present in population databases (gnomAD no frequency). This sequence change creates a premature translational stop signal (p.Arg58Glyfs*23) in the TOR1A gene. It is expected to result in an absent or disrupted protein product. However, the current clinical and genetic evidence is not sufficient to establish whether loss-of-function variants in TOR1A cause disease.